The following is an entry in ClinVar:

ClinVar aggregate classification (germline): Uncertain significance. Review status: criteria provided, multiple submitters, no conflicts (2 of 4 stars). 6 submissions from 6 submitters: Uncertain significance (6). Last evaluated 2025-10-26.

Conditions:
Hereditary cancer-predisposing syndrome. Also called: Tumor predisposition; Hereditary neoplastic syndrome; Hereditary Cancer Syndrome; Neoplastic Syndromes, Hereditary. Identifiers: Orphanet 140162, MedGen C0027672, MeSH D009386, MONDO:0015356.
Familial cancer of breast. Also called: BREAST CANCER, FAMILIAL; Hereditary breast cancer; hereditary breast carcinoma. Identifiers: Orphanet 227535, MedGen C0346153, MONDO:0016419, OMIM 114480. Disease mechanism: loss of function.

Allele frequency attached by ClinVar (database versions not stated): TOPMed 0.00001.
gnomAD v4.1: 1 of 1,614,074 alleles (0.000062%); no homozygotes.

Submissions (6):

Women's Health and Genetics/Laboratory Corporation of America, LabCorp
Classification: Uncertain significance. Last evaluated: 2025-10-26. Review status: criteria provided, single submitter. Criteria: LabCorp Variant Classification Summary - May 2015. Collection method: clinical testing. Allele origin: germline.

GeneDx
Classification: Uncertain significance. Last evaluated: 2025-03-26. Review status: criteria provided, single submitter. Criteria: GeneDx Variant Classification Process June 2021. Collection method: clinical testing. Allele origin: germline.
Comment: Not observed at significant frequency in large population cohorts (gnomAD); In silico analysis supports that this missense variant has a deleterious effect on protein structure/function; Has not been previously published as pathogenic or benign to our knowledge; This variant is associated with the following publications: (PMID: 18480049)

Labcorp Genetics (formerly Invitae), Labcorp
Classification: Uncertain significance for Familial cancer of breast. Last evaluated: 2024-11-27. Review status: criteria provided, single submitter. Criteria: Invitae Variant Classification Sherloc (09022015). Collection method: clinical testing. Allele origin: germline.
Comment: This sequence change replaces asparagine, which is neutral and polar, with serine, which is neutral and polar, at codon 425 of the BARD1 protein (p.Asn425Ser). This variant is not present in population databases (gnomAD no frequency). This variant has not been reported in the literature in individuals affected with BARD1-related conditions. ClinVar contains an entry for this variant (Variation ID: 232452). An algorithm developed to predict the effect of missense changes on protein structure and function (PolyPhen-2) suggests that this variant is likely to be disruptive. In summary, the available evidence is currently insufficient to determine the role of this variant in disease. Therefore, it has been classified as a Variant of Uncertain Significance.

Color Diagnostics, LLC DBA Color Health
Classification: Uncertain significance for Hereditary cancer-predisposing syndrome. Last evaluated: 2024-06-17. Review status: criteria provided, single submitter. Criteria: ACMG Guidelines, 2015. Collection method: clinical testing. Allele origin: germline.
Comment: This missense variant replaces asparagine with serine at codon 425 of the BARD1 protein. Computational prediction suggests that this variant may not impact protein structure and function (internally defined REVEL score threshold <= 0.5, PMID: 27666373). To our knowledge, functional studies have not been reported for this variant. This variant has not been reported in individuals affected with BARD1-related disorders in the literature. This variant has not been identified in the general population by the Genome Aggregation Database (gnomAD). The available evidence is insufficient to determine the role of this variant in disease conclusively. Therefore, this variant is classified as a Variant of Uncertain Significance.

Baylor Genetics
Classification: Uncertain significance for Familial cancer of breast. Last evaluated: 2023-07-13. Review status: criteria provided, single submitter. Criteria: ACMG Guidelines, 2015. Collection method: clinical testing. Allele origin: unknown.

Ambry Genetics
Classification: Uncertain significance for Hereditary cancer-predisposing syndrome. Last evaluated: 2021-02-18. Review status: criteria provided, single submitter. Criteria: Ambry Variant Classification Scheme 2023. Collection method: clinical testing. Allele origin: germline.
Comment: The p.N425S variant (also known as c.1274A>G), located in coding exon 4 of the BARD1 gene, results from an A to G substitution at nucleotide position 1274. The asparagine at codon 425 is replaced by serine, an amino acid with highly similar properties. This amino acid position is highly conserved in available vertebrate species. In addition, this alteration is predicted to be tolerated by in silico analysis. Since supporting evidence is limited at this time, the clinical significance of this alteration remains unclear.

NM_000465.4(BARD1):c.1274A>G (p.Asn425Ser)

Gene: BARD1 (BRCA1 associated RING domain 1; minus strand). Cytogenetic location: 2q35.
Variant type: single nucleotide variant.
Coding change: c.1274A>G on transcript NM_000465.4 (MANE Select); coding-DNA position 1274, A replaced by G.
Protein change: p.Asn425Ser; replaces asparagine 425 with serine.
Molecular consequence: missense variant. On other transcripts: non-coding transcript variant (2), intron variant (3).
Genome position (GRCh38, 1-based): chr2:214,780,600, T>C on the plus strand (A>G on the coding strand, the complement: BARD1 is on the minus strand). VCF-style: chr2-214780600-T-C. GRCh37 (hg19) VCF-style: chr2-215645324-T-C.
Other names: c.1217A>G, p.Asn406Ser (NM_001282543.2); c.159-28045A>G (NM_001282548.2); c.215+16461A>G (NM_001282545.2); c.364+11697A>G (NM_001282549.2); short protein forms N425S, N406S.
Identifiers: ClinVar variation 232452 (VCV000232452.16), dbSNP rs876659775, ClinGen allele CA10577814.